The following is an entry in ClinVar:

NM_004859.4(CLTC):c.3218G>A (p.Arg1073Gln)

Gene: CLTC (clathrin heavy chain; plus strand). Cytogenetic location: 17q23.1.
Variant type: single nucleotide variant.
Coding change: c.3218G>A on transcript NM_004859.4 (MANE Select); coding-DNA position 3218, G replaced by A.
Protein change: p.Arg1073Gln; replaces arginine 1073 with glutamine.
Molecular consequence: missense variant.
Genome position (GRCh38, 1-based): chr17:59,681,447, G>A. VCF-style: chr17-59681447-G-A. GRCh37 (hg19) VCF-style: chr17-57758808-G-A.
Other names: c.3230G>A, p.Arg1077Gln (NM_001288653.2); short protein forms R1073Q, R1077Q.
Identifiers: ClinVar variation 3619698 (VCV003619698.2).
Genomic context (GRCh38, chr17:59,681,447, plus strand): 5'-CAGATATTGCCAATATCGCCATCAGCAATGAGCTGTTTGAAGAAGCATTTGCCATTTTCC[G>A]GAAATTTGATGTCAATACTTCAGCAGTTCAGGTAAATCTTCAGATTACCTAAGTTGAATT-3'
Protein context (NP_004850.1, residues 1063-1083): ELFEEAFAIF[Arg1073Gln]KFDVNTSAVQ

ClinVar aggregate classification (germline): Uncertain significance (1 of 4 stars; one submission).

gnomAD v4.1: 4 of 1,613,808 alleles (0.00025%); highest among the groups gnomAD compares: Admixed American, 0.0017%; no homozygotes.

Submission:

Labcorp Genetics (formerly Invitae), Labcorp
Classification: Uncertain significance. Last evaluated: 2024-07-01. Review status: criteria provided, single submitter. Criteria: Invitae Variant Classification Sherloc (09022015). Collection method: clinical testing. Allele origin: germline.
Comment: This sequence change replaces arginine, which is basic and polar, with glutamine, which is neutral and polar, at codon 1077 of the CLTC protein (p.Arg1077Gln). This variant is not present in population databases (gnomAD no frequency). This variant has not been reported in the literature in individuals affected with CLTC-related conditions. Advanced modeling of protein sequence and biophysical properties (such as structural, functional, and spatial information, amino acid conservation, physicochemical variation, residue mobility, and thermodynamic stability) performed at Invitae indicates that this missense variant is not expected to disrupt CLTC protein function with a negative predictive value of 80%. In summary, the available evidence is currently insufficient to determine the role of this variant in disease. Therefore, it has been classified as a Variant of Uncertain Significance.